The following is an entry in ClinVar:

NM_014236.4(GNPAT):c.23A>G (p.Asn8Ser)

Gene: GNPAT (glyceronephosphate O-acyltransferase; plus strand). Cytogenetic location: 1q42.2.
Variant type: single nucleotide variant.
Coding change: c.23A>G on transcript NM_014236.4 (MANE Select); coding-DNA position 23, A replaced by G.
Protein change: p.Asn8Ser; replaces asparagine 8 with serine.
Molecular consequence: missense variant.
Genome position (GRCh38, 1-based): chr1:231,241,401, A>G. VCF-style: chr1-231241401-A-G. GRCh37 (hg19) VCF-style: chr1-231377147-A-G.
Other names: c.23A>G, p.Asn8Ser (NM_001316350.2); short protein forms N8S.
Identifiers: ClinVar variation 1508398 (VCV001508398.3), dbSNP rs2102791376, ClinGen allele CA345228594.

ClinVar aggregate classification (germline): Uncertain significance (1 of 4 stars; one submission).

Submission:

Labcorp Genetics (formerly Invitae), Labcorp
Classification: Uncertain significance. Last evaluated: 2021-08-07. Review status: criteria provided, single submitter. Criteria: Invitae Variant Classification Sherloc (09022015). Collection method: clinical testing. Allele origin: germline.
Comment: This sequence change replaces asparagine with serine at codon 8 of the GNPAT protein (p.Asn8Ser). The asparagine residue is weakly conserved and there is a small physicochemical difference between asparagine and serine. This variant is not present in population databases (ExAC no frequency). This variant has not been reported in the literature in individuals affected with GNPAT-related conditions. Algorithms developed to predict the effect of missense changes on protein structure and function output the following: SIFT: "Tolerated"; PolyPhen-2: "Not Available"; Align-GVGD: "Class C0". The serine amino acid residue is found in multiple mammalian species, which suggests that this missense change does not adversely affect protein function. In summary, the available evidence is currently insufficient to determine the role of this variant in disease. Therefore, it has been classified as a Variant of Uncertain Significance.